The following is an entry in ClinVar:

NM_003482.4(KMT2D):c.11431C>G (p.Gln3811Glu)

Gene: KMT2D (lysine methyltransferase 2D; minus strand). Cytogenetic location: 12q13.12.
Variant type: single nucleotide variant.
Coding change: c.11431C>G on transcript NM_003482.4 (MANE Select); coding-DNA position 11431, C replaced by G.
Protein change: p.Gln3811Glu; replaces glutamine 3811 with glutamic acid.
Molecular consequence: missense variant.
Genome position (GRCh38, 1-based): chr12:49,033,274, G>C on the plus strand (C>G on the coding strand, the complement: KMT2D is on the minus strand). VCF-style: chr12-49033274-G-C. GRCh37 (hg19) VCF-style: chr12-49427057-G-C.
Other names: short protein forms Q3811E.
Identifiers: ClinVar variation 4776170 (VCV004776170.1).

ClinVar aggregate classification (germline): Uncertain significance (1 of 4 stars; one submission).

Conditions:
Kabuki syndrome. Also called: NIIKAWA-KUROKI SYNDROME; Kabuki make-up syndrome. Identifiers: Orphanet 2322, MedGen C0796004, MONDO:0016512.

Submission:

Labcorp Genetics (formerly Invitae), Labcorp
Classification: Uncertain significance for Kabuki syndrome. Last evaluated: 2025-04-11. Review status: criteria provided, single submitter. Criteria: Invitae Variant Classification Sherloc (09022015). Collection method: clinical testing. Allele origin: germline.
Comment: This sequence change replaces glutamine, which is neutral and polar, with glutamic acid, which is acidic and polar, at codon 3811 of the KMT2D protein (p.Gln3811Glu). This variant is not present in population databases (gnomAD no frequency). This variant has not been reported in the literature in individuals affected with KMT2D-related conditions. Invitae Evidence Modeling of protein sequence and biophysical properties (such as structural, functional, and spatial information, amino acid conservation, physicochemical variation, residue mobility, and thermodynamic stability) indicates that this missense variant is not expected to disrupt KMT2D protein function with a negative predictive value of 95%. In summary, the available evidence is currently insufficient to determine the role of this variant in disease. Therefore, it has been classified as a Variant of Uncertain Significance.